The following is an entry in ClinVar:

ClinVar aggregate classification (germline): Pathogenic (1 of 4 stars; one submission).

Conditions:
Familial thoracic aortic aneurysm and aortic dissection (TAAD). Also called: Thoracic aortic aneurysms and dissections. Identifiers: Orphanet 91387, MedGen C4707243, MONDO:0019625.

Submission:

Ambry Genetics
Classification: Pathogenic for Familial thoracic aortic aneurysm and aortic dissection. Last evaluated: 2025-03-17. Review status: criteria provided, single submitter. Criteria: Ambry Variant Classification Scheme 2023. Collection method: clinical testing. Allele origin: germline.
Comment: The c.7454-1G>A intronic variant results from a G to A substitution one nucleotide before coding exon 60 of the FBN1 gene. Alterations that disrupt the canonical splice site are expected to result in aberrant splicing. A resulting transcript is predicted to be in-frame and is not expected to trigger nonsense-mediated mRNAdecay, although direct evidence is unavailable. However, the region predicted to be impacted is critical for protein function (Ambry internal data). This variant was not reported in population-based cohorts in the Genome Aggregation Database (gnomAD). This variant was reported in individual(s) with features consistent with Marfan syndrome; in at least one individual, it was determined to be de novo (Ambry internal data). This nucleotide position is highly conserved in available vertebrate species. In silico splice site analysis predicts that this alteration will weaken the native splice acceptor site and may result in the creation or strengthening of a novel splice acceptor site. Based on the available evidence, this alteration is classified as pathogenic.

NM_000138.5(FBN1):c.7454-1G>A

Gene: FBN1 (fibrillin 1; minus strand). Cytogenetic location: 15q21.1.
Variant type: single nucleotide variant.
Coding change: c.7454-1G>A on transcript NM_000138.5 (MANE Select); the canonical splice acceptor site of the intron before coding-DNA position 7454, G replaced by A.
Molecular consequence: splice acceptor variant.
Genome position (GRCh38, 1-based): chr15:48,422,069, C>T on the plus strand (G>A on the coding strand, the complement: FBN1 is on the minus strand). VCF-style: chr15-48422069-C-T. GRCh37 (hg19) VCF-style: chr15-48714266-C-T.
Other names: c.7454-1G>A (NM_001406716.1).
Identifiers: ClinVar variation 3849181 (VCV003849181.2).